The following is an entry in ClinVar:

ClinVar aggregate classification (germline): Pathogenic (1 of 4 stars; one submission).

Conditions:
Episodic ataxia type 2 (EA2). Also called: ATAXIA, EPISODIC, WITH NYSTAGMUS; ATAXIA, FAMILIAL PAROXYSMAL; CEREBELLAR ATAXIA, PAROXYSMAL, ACETAZOLAMIDE-RESPONSIVE; CEREBELLOPATHY, HEREDITARY PAROXYSMAL; EPISODIC ATAXIA, NYSTAGMUS-ASSOCIATED; ACETAZOLAMIDE-RESPONSIVE HEREDITARY PAROXYSMAL CEREBELLAR ATAXIA. Identifiers: Orphanet 97, MedGen C1720416, MONDO:0007163, OMIM 108500.
Developmental and epileptic encephalopathy, 42 (DEE42A). Also called: DEVELOPMENTAL AND EPILEPTIC ENCEPHALOPATHY 42A; EPILEPTIC ENCEPHALOPATHY, EARLY INFANTILE, 42A; Epileptic encephalopathy, early infantile, 42. Identifiers: MedGen C4310716, MONDO:0014917, OMIM 617106.

Submission:

Labcorp Genetics (formerly Invitae), Labcorp
Classification: Pathogenic for Developmental and epileptic encephalopathy, 42; Episodic ataxia type 2. Last evaluated: 2023-02-22. Review status: criteria provided, single submitter. Criteria: Invitae Variant Classification Sherloc (09022015). Collection method: clinical testing. Allele origin: unknown.
Comment: This variant disrupts a region of the CACNA1A protein in which other variant(s) (p.Val1456Leu) have been determined to be pathogenic (PMID: 10408532, 10734061). This suggests that this is a clinically significant region of the protein, and that variants that disrupt it are likely to be disease-causing. This variant is a gross deletion of the genomic region encompassing exon(s) 25-27 of the CACNA1A gene. This variant would be expected to be in-frame, preserving the integrity of the reading frame. This variant has not been reported in the literature in individuals affected with CACNA1A-related conditions. For these reasons, this variant has been classified as Pathogenic.

Literature cited by the submitters: PubMed 10408532; PubMed 10734061.

NC_000019.9:g.(?_13370358)_(13373667_?)del

Gene: CACNA1A (calcium voltage-gated channel subunit alpha1 A; minus strand). Cytogenetic location: 19p13.2.
Variant type: Deletion.
Identifiers: ClinVar variation 3248500 (VCV003248500.1).